The following is an entry in ClinVar:

ClinVar aggregate classification (germline): Pathogenic. Review status: criteria provided, multiple submitters, no conflicts (2 of 4 stars). 2 submissions from 2 submitters: Pathogenic (2). Last evaluated 2024-04-11.

Conditions:
Juvenile polyposis syndrome (JPS). Identifiers: Orphanet 2929, MedGen C0345893, MONDO:0017380, OMIM 174900.

Submissions (2):

Labcorp Genetics (formerly Invitae), Labcorp
Classification: Pathogenic for Juvenile polyposis syndrome. Last evaluated: 2024-04-11. Review status: criteria provided, single submitter. Criteria: Invitae Variant Classification Sherloc (09022015). Collection method: clinical testing. Allele origin: germline.
Comment: This sequence change creates a premature translational stop signal (p.Cys376Trpfs*5) in the BMPR1A gene. It is expected to result in an absent or disrupted protein product. Loss-of-function variants in BMPR1A are known to be pathogenic (PMID: 11536076, 12417513). This variant is not present in population databases (gnomAD no frequency). This variant has not been reported in the literature in individuals affected with BMPR1A-related conditions. ClinVar contains an entry for this variant (Variation ID: 2583701). For these reasons, this variant has been classified as Pathogenic.

Myriad Genetics, Inc.
Classification: Pathogenic for Juvenile polyposis syndrome. Last evaluated: 2023-05-26. Review status: criteria provided, single submitter. Criteria: Myriad Autosomal Dominant, Autosomal Recessive and X-Linked Classification Criteria (2023). Collection method: clinical testing. Allele origin: unknown.
Comment: This variant is considered pathogenic. This variant creates a frameshift predicted to result in premature protein truncation.

Literature cited by the submitters: PubMed 11536076 (cited by Labcorp Genetics (formerly Invitae), Labcorp); PubMed 12417513 (cited by Labcorp Genetics (formerly Invitae), Labcorp).

NM_004329.3(BMPR1A):c.1127dup (p.Cys376fs)

Gene: BMPR1A (bone morphogenetic protein receptor type 1A; plus strand). Cytogenetic location: 10q23.2.
Variant type: Duplication.
Coding change: c.1127dup on transcript NM_004329.3 (MANE Select); coding-DNA position 1127, one base duplicated (G; older notation c.1127dupG).
Protein change: p.Cys376fs; shifts the reading frame from cysteine 376.
Molecular consequence: frameshift variant. On other transcripts: non-coding transcript variant (3).
Genome position (GRCh38, 1-based): chr10:86,919,430, G duplicated. VCF-style (leftmost placement, unchanged base first): chr10-86919429-T-TG. GRCh37 (hg19) VCF-style: chr10-88679186-T-TG.
Other names: c.1202dup, p.Cys401fs (NM_001406559.1); c.1175dup, p.Cys392fs (NM_001406560.1); c.1127dup, p.Cys376fs (NM_001406561.1, NM_001406562.1, NM_001406563.1 and 19 more transcripts); c.1121dup, p.Cys374fs (NM_001406583.1); c.1043dup, p.Cys348fs (NM_001406584.1, NM_001406585.1, NM_001406586.1 and 2 more transcripts); c.785dup, p.Cys262fs (NM_001406589.1); short protein forms C262fs, C348fs, C374fs, C376fs, C392fs, C401fs.
Identifiers: ClinVar variation 2583701 (VCV002583701.4), dbSNP rs2539623227, ClinGen allele CA2582342691.